The following is an entry in ClinVar:

NM_001148.6(ANK2):c.2958C>A (p.His986Gln)

Gene: ANK2 (ankyrin 2; plus strand). Cytogenetic location: 4q26.
Variant type: single nucleotide variant.
Coding change: c.2958C>A on transcript NM_001148.6 (MANE Select); coding-DNA position 2958, C replaced by A.
Protein change: p.His986Gln; replaces histidine 986 with glutamine.
Molecular consequence: missense variant.
Genome position (GRCh38, 1-based): chr4:113,330,303, C>A. VCF-style: chr4-113330303-C-A. GRCh37 (hg19) VCF-style: chr4-114251459-C-A.
Other names: c.2955C>A, p.His985Gln (NM_001354265.2, NM_001354235.2, NM_001354236.2 and 1 more transcripts); c.2871C>A, p.His957Gln (NM_001354266.2, NM_001354267.2, NM_001354276.2 and 7 more transcripts); c.2859C>A, p.His953Gln (NM_001354268.2); c.2745C>A, p.His915Gln (NM_001354269.3); c.2832C>A, p.His944Gln (NM_001354270.2, NM_001354253.2); c.2772C>A, p.His924Gln (NM_001354271.2, NM_001354260.2, NM_001386151.1); c.2928C>A, p.His976Gln (NM_001354272.2, NM_001354239.2, NM_001354252.2); c.2757C>A, p.His919Gln (NM_001354273.2); and 23 more; short protein forms H1000Q, H1012Q, H1025Q, H891Q, H915Q, H944Q, H976Q, H981Q.
Identifiers: ClinVar variation 4842646 (VCV004842646.1).

ClinVar aggregate classification (germline): Uncertain significance (1 of 4 stars; one submission).

Conditions:
Cardiovascular phenotype. Identifiers: MedGen CN230736.

Submission:

Ambry Genetics
Classification: Uncertain significance for Cardiovascular phenotype. Last evaluated: 2026-01-02. Review status: criteria provided, single submitter. Criteria: Ambry Variant Classification Scheme 2023. Collection method: clinical testing. Allele origin: germline.
Comment: The p.H986Q variant (also known as c.2958C>A), located in coding exon 27 of the ANK2 gene, results from a C to A substitution at nucleotide position 2958. The histidine at codon 986 is replaced by glutamine, an amino acid with highly similar properties. This amino acid position is conserved. In addition, the in silico prediction for this alteration is inconclusive. Based on the available evidence, the clinical significance of this variant remains unclear.